The following is an entry in ClinVar:

ClinVar aggregate classification (germline): Conflicting classifications of pathogenicity. Review status: criteria provided, conflicting classifications (1 of 4 stars). 4 submissions from 4 submitters: Uncertain significance (2); Likely benign (2). Last evaluated 2026-01-07.

Allele frequency attached by ClinVar (database versions not stated): ExAC 0.00002; gnomAD 0.00002; gnomAD exomes 0.00003 and 0.00007; TOPMed 0.00005.
gnomAD v4.1: 38 of 1,209,376 alleles (0.0031%); highest among the groups gnomAD compares: Middle Eastern, 0.046%; no homozygotes.

Submissions (4):

Labcorp Genetics (formerly Invitae), Labcorp
Classification: Uncertain significance. Last evaluated: 2026-01-07. Review status: criteria provided, single submitter. Criteria: Invitae Variant Classification Sherloc (09022015). Collection method: clinical testing. Allele origin: germline.
Comment: This sequence change replaces aspartic acid, which is acidic and polar, with asparagine, which is neutral and polar, at codon 1107 of the NEXMIF protein (p.Asp1107Asn). This variant is present in population databases (rs751468762, gnomAD 0.02%), including at least one homozygous and/or hemizygous individual. This variant has not been reported in the literature in individuals affected with NEXMIF-related conditions. ClinVar contains an entry for this variant (Variation ID: 211264). An algorithm developed to predict the effect of missense changes on protein structure and function (PolyPhen-2) suggests that this variant is likely to be tolerated. In summary, the available evidence is currently insufficient to determine the role of this variant in disease. Therefore, it has been classified as a Variant of Uncertain Significance.

Ambry Genetics
Classification: Likely benign. Last evaluated: 2025-03-18. Review status: criteria provided, single submitter. Criteria: Ambry Variant Classification Scheme 2023. Collection method: clinical testing. Allele origin: germline.

GeneDx
Classification: Likely benign. Last evaluated: 2019-03-28. Review status: criteria provided, single submitter. Criteria: GeneDx Variant Classification Process June 2021. Collection method: clinical testing. Allele origin: germline. Affected: yes.

Genetic Services Laboratory, University of Chicago
Classification: Uncertain significance. Last evaluated: 2015-07-16. Review status: criteria provided, single submitter. Criteria: ACMG Guidelines, 2015. Collection method: clinical testing. Allele origin: germline.

NM_001008537.3(NEXMIF):c.3319G>A (p.Asp1107Asn)

Gene: NEXMIF (neurite extension and migration factor; minus strand). Cytogenetic location: Xq13.3.
Variant type: single nucleotide variant.
Coding change: c.3319G>A on transcript NM_001008537.3 (MANE Select); coding-DNA position 3319, G replaced by A.
Protein change: p.Asp1107Asn; replaces aspartic acid 1107 with asparagine.
Molecular consequence: missense variant.
Genome position (GRCh38, 1-based): chrX:74,741,238, C>T on the plus strand (G>A on the coding strand, the complement: NEXMIF is on the minus strand). VCF-style: chrX-74741238-C-T. GRCh37 (hg19) VCF-style: chrX-73961073-C-T.
Other names: short protein forms D1107N.
Identifiers: ClinVar variation 211264 (VCV000211264.17), dbSNP rs751468762, ClinGen allele CA208194.